The following is an entry in ClinVar:

NM_007294.4(BRCA1):c.2105del (p.Lys701_Leu702insTer)

Gene: BRCA1 (BRCA1 DNA repair associated; minus strand). Cytogenetic location: 17q21.31.
Variant type: Deletion.
Coding change: c.2105del on transcript NM_007294.4 (MANE Select); coding-DNA position 2105, one base deleted (T; older notation c.2105delT).
Protein change: p.Lys701_Leu702insTer.
Molecular consequence: nonsense. On other transcripts: frameshift variant (1), intron variant (137).
Genome position (GRCh38, 1-based): chr17:43,093,426, A deleted on the plus strand (T on the coding strand, the reverse complement: BRCA1 is on the minus strand); the first of 2 consecutive A bases (chr17:43,093,426-43,093,427); deleting either gives the same sequence. VCF-style (leftmost placement, unchanged base first): chr17-43093425-TA-T. GRCh37 (hg19) VCF-style: chr17-41245442-TA-T.
Other names: 2224delT; c.1892del, p.Lys630_Leu631insTer (NM_001407571.1, NM_001407853.1, NM_001407894.1 and 9 more transcripts); c.2105del, p.Lys701_Leu702insTer (NM_001407581.1, NM_001407582.1, NM_001407583.1 and 30 more transcripts); c.2102del, p.Lys700_Leu701insTer (NM_001407587.1, NM_001407590.1, NM_001407591.1 and 22 more transcripts); c.2096del, p.Lys698_Leu699insTer (NM_001407646.1, NM_001407647.1); c.1982del, p.Lys660_Leu661insTer (NM_001407648.1, NM_001407664.1, NM_001407665.1 and 19 more transcripts); c.1979del, p.Lys659_Leu660insTer (NM_001407649.1, NM_001407670.1, NM_001407671.1 and 11 more transcripts); c.2027del, p.Lys675_Leu676insTer (NM_001407653.1, NM_001407654.1, NM_001407655.1 and 4 more transcripts); and 43 more.
Identifiers: ClinVar variation 266218 (VCV000266218.6), dbSNP rs80357880, ClinGen allele CA10589893.

ClinVar aggregate classification (germline): Pathogenic. Review status: reviewed by expert panel (3 of 4 stars). 2 submissions from 2 submitters: Pathogenic (1). 1 of the submissions does not count toward it. Last evaluated 2016-10-18.

Conditions:
Breast-ovarian cancer, familial, susceptibility to, 1 (BROVCA1). Also called: BRCA1 Hereditary Breast and Ovarian Cancer; OVARIAN CANCER, SUSCEPTIBILITY TO. Identifiers: Orphanet 145, MedGen C2676676, MONDO:0011450, OMIM 604370. Disease mechanism: loss of function.

Submissions (2):

Evidence-based Network for the Interpretation of Germline Mutant Alleles (ENIGMA)
Classification: Pathogenic for Breast-ovarian cancer, familial, susceptibility to, 1. Last evaluated: 2016-10-18. Review status: reviewed by expert panel. Criteria: ENIGMA BRCA1/2 Classification Criteria (2015). Collection method: curation. Allele origin: germline.
Comment: Variant allele predicted to encode a truncated non-functional protein.

Consortium of Investigators of Modifiers of BRCA1/2 (CIMBA), c/o University of Cambridge
Classification: Pathogenic for Breast-ovarian cancer, familial, susceptibility to, 1. Last evaluated: 2015-10-02. Review status: criteria provided, single submitter. Criteria: CIMBA Mutation Classification guidelines May 2016. Collection method: clinical testing. Allele origin: germline. Not counted in ClinVar's aggregate classification.